The following is an entry in ClinVar:

NM_001278689.2(EOGT):c.1408C>T (p.Arg470Trp)

Gene: EOGT (EGF domain specific O-linked N-acetylglucosamine transferase; minus strand). Cytogenetic location: 3p14.1.
Variant type: single nucleotide variant.
Coding change: c.1408C>T on transcript NM_001278689.2 (MANE Select); coding-DNA position 1408, C replaced by T.
Protein change: p.Arg470Trp; replaces arginine 470 with tryptophan.
Molecular consequence: missense variant. On other transcripts: non-coding transcript variant (1).
Genome position (GRCh38, 1-based): chr3:68,978,362, G>A on the plus strand (C>T on the coding strand, the complement: EOGT is on the minus strand). VCF-style: chr3-68978362-G-A. GRCh37 (hg19) VCF-style: chr3-69027513-G-A.
Other names: c.1156C>T, p.Arg386Trp (NM_173654.3); c.1156C>T (NM_173654.1); short protein forms R470W, R386W.
Identifiers: ClinVar variation 2151334 (VCV002151334.5), dbSNP rs541573152, ClinGen allele CA2486605.

ClinVar aggregate classification (germline): Uncertain significance. Review status: criteria provided, multiple submitters, no conflicts (2 of 4 stars). 2 submissions from 2 submitters: Uncertain significance (2). Last evaluated 2024-05-09.

Conditions:
Inborn genetic diseases. Identifiers: MedGen C0950123, MeSH D030342.
Adams-Oliver syndrome 4 (AOS4). Identifiers: Orphanet 974, MedGen C3809092, MONDO:0014124, OMIM 615297.

Allele frequency attached by ClinVar (database versions not stated): ExAC 0.00003; gnomAD exomes 0.00003; gnomAD 0.00004; TOPMed 0.00005; 1000 Genomes Project 30x 0.00016; 1000 Genomes Project 0.00020.
gnomAD v4.1: 42 of 1,612,464 alleles (0.0026%); highest among the groups gnomAD compares: Admixed American, 0.012%; no homozygotes.

Submissions (2):

Ambry Genetics
Classification: Uncertain significance for Inborn genetic diseases. Last evaluated: 2024-05-09. Review status: criteria provided, single submitter. Criteria: Ambry Variant Classification Scheme 2023. Collection method: clinical testing. Allele origin: germline.

Labcorp Genetics (formerly Invitae), Labcorp
Classification: Uncertain significance for Adams-Oliver syndrome 4. Last evaluated: 2022-05-16. Review status: criteria provided, single submitter. Criteria: Invitae Variant Classification Sherloc (09022015). Collection method: clinical testing. Allele origin: germline.
Comment: This sequence change replaces arginine, which is basic and polar, with tryptophan, which is neutral and slightly polar, at codon 386 of the EOGT protein (p.Arg386Trp). This variant is present in population databases (rs541573152, gnomAD 0.007%). This variant has not been reported in the literature in individuals affected with EOGT-related conditions. Algorithms developed to predict the effect of missense changes on protein structure and function are either unavailable or do not agree on the potential impact of this missense change (SIFT: "Deleterious"; PolyPhen-2: "Benign"; Align-GVGD: "Class C15"). In summary, the available evidence is currently insufficient to determine the role of this variant in disease. Therefore, it has been classified as a Variant of Uncertain Significance.